The following is an entry in ClinVar:

NM_000709.4(BCKDHA):c.308T>C (p.Leu103Pro)

Gene: BCKDHA (branched chain keto acid dehydrogenase E1 subunit alpha; plus strand). Cytogenetic location: 19q13.2.
Variant type: single nucleotide variant.
Coding change: c.308T>C on transcript NM_000709.4 (MANE Select); coding-DNA position 308, T replaced by C.
Protein change: p.Leu103Pro; replaces leucine 103 with proline.
Molecular consequence: missense variant.
Genome position (GRCh38, 1-based): chr19:41,410,942, T>C. VCF-style: chr19-41410942-T-C. GRCh37 (hg19) VCF-style: chr19-41916847-T-C.
Other names: c.308T>C, p.Leu103Pro (NM_001164783.2); c.308T>C (NM_000709.3); short protein forms L103P.
Identifiers: ClinVar variation 2680117 (VCV002680117.5), dbSNP rs2513452355, ClinGen allele CA406005439.
Genomic context (GRCh38, chr19:41,410,942, plus strand): 5'-GGTCCCAACTGCCCCACGTCTATCTGTGCCTCCACCCGCAGCTGCCGAAGGAGAAGGTGC[T>C]GAAGCTCTACAAGAGCATGACACTGCTTAACACCATGGACCGCATCCTCTATGAGTCTCA-3'
Protein context (NP_000700.1, residues 93-113): EDPHLPKEKV[Leu103Pro]KLYKSMTLLN

ClinVar aggregate classification (germline): Pathogenic/Likely pathogenic. Review status: criteria provided, multiple submitters, no conflicts (2 of 4 stars). 3 submissions from 3 submitters: Pathogenic (1); Likely pathogenic (2). Last evaluated 2025-10-06.

Conditions:
Maple syrup urine disease type 1A (MSUD1A). Also called: MSUD type 1A. Identifiers: MedGen C1855369, MONDO:0023691, OMIM 248600.
Maple syrup urine disease (MSUD). Identifiers: Orphanet 511, MedGen C0024776, MeSH D008375, MONDO:0009563. Disease mechanism: loss of function.

Submissions (3):

Natera, Inc.
Classification: Pathogenic for Maple syrup urine disease type 1A. Last evaluated: 2025-10-06. Review status: criteria provided, single submitter. Criteria: Natera Variant Classification Schema (03/2026). Collection method: clinical testing. Allele origin: germline.
Comment: The c.308T>C variant in BCKDHA is a missense variant predicted to cause substitution of leucine to proline at amino acid 103. This variant is rare in the general population with a frequency below the threshold expected for the associated phenotype(s). This variant has been observed in one or more individuals affected with the associated recessive disease, as either homozygous or compound heterozygous with a second variant (PMID: 38837343, 37421976, 22727569, 22145486). Computational prediction algorithms indicate this variant is likely to affect gene or protein function. Given the available evidence, this variant is classified as Pathogenic.

Labcorp Genetics (formerly Invitae), Labcorp
Classification: Likely pathogenic for Maple syrup urine disease. Last evaluated: 2023-07-25. Review status: criteria provided, single submitter. Criteria: Invitae Variant Classification Sherloc (09022015). Collection method: clinical testing. Allele origin: germline.
Comment: In summary, the currently available evidence indicates that the variant is pathogenic, but additional data are needed to prove that conclusively. Therefore, this variant has been classified as Likely Pathogenic. Advanced modeling of protein sequence and biophysical properties (such as structural, functional, and spatial information, amino acid conservation, physicochemical variation, residue mobility, and thermodynamic stability) has been performed at Invitae for this missense variant, however the output from this modeling did not meet the statistical confidence thresholds required to predict the impact of this variant on BCKDHA protein function. This sequence change replaces leucine, which is neutral and non-polar, with proline, which is neutral and non-polar, at codon 103 of the BCKDHA protein (p.Leu103Pro). This variant is not present in population databases (gnomAD no frequency). This missense change has been observed in individual(s) with maple syrup urine disease (PMID: 22145486, 22727569, 24772966).

Baylor Genetics
Classification: Likely pathogenic for Maple syrup urine disease type 1A. Last evaluated: 2023-05-05. Review status: criteria provided, single submitter. Criteria: ACMG Guidelines, 2015. Collection method: clinical testing. Allele origin: unknown.

Literature cited by the submitters: PubMed 38837343 (cited by Natera, Inc.); PubMed 37421976 (cited by Natera, Inc.); PubMed 22727569 (cited by Natera, Inc. and Labcorp Genetics (formerly Invitae), Labcorp); PubMed 22145486 (cited by Natera, Inc. and Labcorp Genetics (formerly Invitae), Labcorp); PubMed 24772966 (cited by Labcorp Genetics (formerly Invitae), Labcorp).